The following is an entry in ClinVar:

NM_000321.3(RB1):c.1603T>C (p.Phe535Leu)

Gene: RB1 (RB transcriptional corepressor 1; plus strand). Cytogenetic location: 13q14.2.
Variant type: single nucleotide variant.
Coding change: c.1603T>C on transcript NM_000321.3 (MANE Select); coding-DNA position 1603, T replaced by C.
Protein change: p.Phe535Leu; replaces phenylalanine 535 with leucine.
Molecular consequence: missense variant.
Genome position (GRCh38, 1-based): chr13:48,381,351, T>C. VCF-style: chr13-48381351-T-C. GRCh37 (hg19) VCF-style: chr13-48955487-T-C.
Other names: c.1603T>C, p.Phe535Leu (NM_001407165.1, NM_001407166.1); short protein forms F535L.
Identifiers: ClinVar variation 3231197 (VCV003231197.1), dbSNP rs2542206800, ClinGen allele CA388163723.

ClinVar aggregate classification (germline): Uncertain significance (1 of 4 stars; one submission).

Conditions:
Hereditary cancer-predisposing syndrome. Also called: Neoplastic Syndromes, Hereditary; Tumor predisposition; Hereditary neoplastic syndrome; Hereditary Cancer Syndrome. Identifiers: Orphanet 140162, MedGen C0027672, MeSH D009386, MONDO:0015356.

Allele frequency attached by ClinVar (database versions not stated): gnomAD exomes below 0.00001.
gnomAD v4.1: 1 of 1,611,814 alleles (0.000062%); no homozygotes.

Submission:

Ambry Genetics
Classification: Uncertain significance for Hereditary cancer-predisposing syndrome. Last evaluated: 2024-01-01. Review status: criteria provided, single submitter. Criteria: Ambry Variant Classification Scheme 2023. Collection method: clinical testing. Allele origin: germline.
Comment: The p.F535L variant (also known as c.1603T>C), located in coding exon 17 of the RB1 gene, results from a T to C substitution at nucleotide position 1603. The phenylalanine at codon 535 is replaced by leucine, an amino acid with highly similar properties. This amino acid position is conserved. In addition, this alteration is predicted to be deleterious by in silico analysis. Since supporting evidence is limited at this time, the clinical significance of this alteration remains unclear.